The following is an entry in ClinVar:

ClinVar aggregate classification (germline): Uncertain significance (1 of 4 stars; one submission).

Conditions:
Atypical hemolytic-uremic syndrome. Identifiers: Orphanet 2134, MedGen C2931788, MONDO:0016244.
Basal laminar drusen. Also called: DRUSEN OF BRUCH MEMBRANE; DRUSEN, CUTICULAR; DRUSEN, EARLY ADULT-ONSET, GROUPED. Identifiers: Orphanet 75376, MedGen C0730295, MONDO:0007472, OMIM 126700.
Factor H deficiency (CFHD). Also called: COMPLEMENT FACTOR H DEFICIENCY; CFH DEFICIENCY. Identifiers: Orphanet 200421, MedGen C0398777, MONDO:0012350, OMIM 609814.
Age related macular degeneration 4. Identifiers: MedGen C1853147, MONDO:0012540, OMIM 610698.

Submission:

Genomenon, Inc
Classification: Uncertain significance for Basal laminar drusen; Age related macular degeneration 4; Atypical hemolytic-uremic syndrome; Factor H deficiency. Last evaluated: 2025-10-02. Review status: criteria provided, single submitter. Criteria: Genomenon Sequence Variant Interpretation Standards - Updated. Collection method: curation. Allele origin: germline. Affected: no.
Comment: CFH p.Pro1161Gln (c.3482C>A) is a missense variant that changes the amino acid at residue 1161 from Proline to Glutamine. This variant has been reported in the published literature (PMID:22277662). It is absent or not present at a significant frequency in gnomAD. In silico models agree that this variant is possibly or probably damaging. In conclusion, we classify CFH p.Pro1161Gln (c.3482C>A) as a variant of uncertain significance.

Literature cited by the submitters: PubMed 22277662.

NM_000186.4(CFH):c.3482C>A (p.Pro1161Gln)

Gene: CFH (complement factor H; plus strand). Cytogenetic location: 1q31.3.
Variant type: single nucleotide variant.
Coding change: c.3482C>A on transcript NM_000186.4 (MANE Select); coding-DNA position 3482, C replaced by A.
Protein change: p.Pro1161Gln; replaces proline 1161 with glutamine.
Molecular consequence: missense variant.
Genome position (GRCh38, 1-based): chr1:196,745,988, C>A. VCF-style: chr1-196745988-C-A. GRCh37 (hg19) VCF-style: chr1-196715118-C-A.
Other names: short protein forms P1161Q.
Identifiers: ClinVar variation 4291582 (VCV004291582.1).